The following is an entry in ClinVar:

ClinVar aggregate classification (germline): Uncertain significance. Review status: criteria provided, multiple submitters, no conflicts (2 of 4 stars). 2 submissions from 2 submitters: Uncertain significance (2). Last evaluated 2019-12-30.

Allele frequency attached by ClinVar (database versions not stated): ExAC 0.00003; gnomAD 0.00001; gnomAD exomes 0.00001 and 0.00002; TOPMed 0.00002.
gnomAD v4.1: 13 of 1,613,908 alleles (0.00081%); highest among the groups gnomAD compares: Non-Finnish European, 0.0011%; no homozygotes.

Submissions (2):

Labcorp Genetics (formerly Invitae), Labcorp
Classification: Uncertain significance. Last evaluated: 2019-12-30. Review status: criteria provided, single submitter. Criteria: Invitae Variant Classification Sherloc (09022015). Collection method: clinical testing. Allele origin: germline.
Comment: In summary, the available evidence is currently insufficient to determine the role of this variant in disease. Therefore, it has been classified as a Variant of Uncertain Significance. Algorithms developed to predict the effect of missense changes on protein structure and function output the following: SIFT: "Tolerated"; PolyPhen-2: "Benign"; Align-GVGD: "Class C0". The valine amino acid residue is found in multiple mammalian species, suggesting that this missense change does not adversely affect protein function. These predictions have not been confirmed by published functional studies and their clinical significance is uncertain. This variant has not been reported in the literature in individuals with HSPG2-related conditions. This variant is present in population databases (rs771043879, ExAC 0.005%). This sequence change replaces isoleucine with valine at codon 4230 of the HSPG2 protein (p.Ile4230Val). The isoleucine residue is moderately conserved and there is a small physicochemical difference between isoleucine and valine.

Revvity Omics, Revvity
Classification: Uncertain significance. Last evaluated: 2019-07-19. Review status: criteria provided, single submitter. Criteria: ACMG Guidelines, 2015. Collection method: clinical testing. Allele origin: germline.

NM_005529.7(HSPG2):c.12688A>G (p.Ile4230Val)

Genes: HSPG2 (heparan sulfate proteoglycan 2; minus strand), LDLRAD2 (low density lipoprotein receptor class A domain containing 2; plus strand). Cytogenetic location: 1p36.12.
Variant type: single nucleotide variant.
Coding change: c.12688A>G on transcript NM_005529.7 (MANE Select); coding-DNA position 12688, A replaced by G.
Protein change: p.Ile4230Val; replaces isoleucine 4230 with valine.
Molecular consequence: missense variant. On other transcripts: 3 prime UTR variant (1).
Genome position (GRCh38, 1-based): chr1:21,824,593, T>C on the plus strand (A>G on the coding strand, the complement: HSPG2 is on the minus strand). VCF-style: chr1-21824593-T-C. GRCh37 (hg19) VCF-style: chr1-22151086-T-C.
Other names: c.12691A>G, p.Ile4231Val (NM_001291860.2); c.*2378T>C (NM_001013693.3); short protein forms I4230V, I4231V.
Identifiers: ClinVar variation 859145 (VCV000859145.13), dbSNP rs771043879, ClinGen allele CA669321.